The following is an entry in ClinVar:

ClinVar aggregate classification (germline): Uncertain significance (1 of 4 stars; one submission).

Conditions:
Developmental and epileptic encephalopathy, 32 (DEE32). Also called: Epileptic encephalopathy, early infantile, 32. Identifiers: Orphanet 442835, MedGen C4225350, MONDO:0014607, OMIM 616366.

gnomAD v4.1: 2 of 1,614,070 alleles (0.00012%); highest among the groups gnomAD compares: Non-Finnish European, 0.00017%; no homozygotes.

Submission:

Labcorp Genetics (formerly Invitae), Labcorp
Classification: Uncertain significance for Developmental and epileptic encephalopathy, 32. Last evaluated: 2017-10-07. Review status: criteria provided, single submitter. Criteria: Invitae Variant Classification Sherloc (09022015). Collection method: clinical testing. Allele origin: germline.
Comment: Algorithms developed to predict the effect of missense changes on protein structure and function do not agree on the potential impact of this missense change (SIFT: "Deleterious"; PolyPhen-2: "Benign"; Align-GVGD: "Class C0"). In summary, the available evidence is currently insufficient to determine the role of this variant in disease. Therefore, it has been classified as a Variant of Uncertain Significance. This variant has not been reported in the literature in individuals with KCNA2-related disease. This variant is not present in population databases (ExAC no frequency). This sequence change replaces cysteine with serine at codon 435 of the KCNA2 protein (p.Cys435Ser). The cysteine residue is highly conserved and there is a moderate physicochemical difference between cysteine and serine.

NM_004974.4(KCNA2):c.1304G>C (p.Cys435Ser)

Gene: KCNA2 (potassium voltage-gated channel subfamily A member 2; minus strand). Cytogenetic location: 1p13.3.
Variant type: single nucleotide variant.
Coding change: c.1304G>C on transcript NM_004974.4 (MANE Select); coding-DNA position 1304, G replaced by C.
Protein change: p.Cys435Ser; replaces cysteine 435 with serine.
Molecular consequence: missense variant. On other transcripts: intron variant (1).
Genome position (GRCh38, 1-based): chr1:110,603,479, C>G on the plus strand (G>C on the coding strand, the complement: KCNA2 is on the minus strand). VCF-style: chr1-110603479-C-G. GRCh37 (hg19) VCF-style: chr1-111146101-C-G.
Other names: c.894+410G>C (NM_001204269.2); short protein forms C435S.
Identifiers: ClinVar variation 542664 (VCV000542664.9), dbSNP rs1553181236, ClinGen allele CA341600911.
Genomic context (GRCh38, chr1:110,603,479, plus strand): 5'-TTACTAATGGTAGAGGCACTTCTACTTTTCTTTAGGTCAGGGGAGGATGGGATCTTTGGA[C>G]AGCTTGTCACTTGCAAGTATTGGGCCTGTTCCTCTCCCTCTGTCTCCCGGTGGTAGAAGT-3'
Protein context (NP_004965.1, residues 425-445): EQAQYLQVTS[Cys435Ser]PKIPSSPDLK